The following is an entry in ClinVar:

NM_178857.6(RP1L1):c.1358C>T (p.Ala453Val)

Gene: RP1L1 (RP1 like 1). Cytogenetic location: 8p23.1.
Variant type: single nucleotide variant.
Coding change: c.1358C>T on transcript NM_178857.6 (MANE Select); coding-DNA position 1358, C replaced by T.
Protein change: p.Ala453Val; replaces alanine 453 with valine.
Molecular consequence: missense variant.
Genome position (GRCh38, 1-based): chr8:10,612,740, G>A on the plus strand (C>T on the coding strand, the complement: RP1L1 is on the minus strand). VCF-style: chr8-10612740-G-A. GRCh37 (hg19) VCF-style: chr8-10470250-G-A.
Other names: short protein forms A453V.
Identifiers: ClinVar variation 3155800 (VCV003155800.4), dbSNP rs373774566, ClinGen allele CA4625210.

ClinVar aggregate classification (germline): Conflicting classifications of pathogenicity. Review status: criteria provided, conflicting classifications (1 of 4 stars). 3 submissions from 3 submitters: Uncertain significance (1); Likely benign (2). Last evaluated 2025-08-11.

Conditions:
RP1L1-related disorder. Also called: RP1L1-related condition.
Inborn genetic diseases. Identifiers: MedGen C0950123, MeSH D030342.

Allele frequency attached by ClinVar (database versions not stated): ExAC 0.00014; 1000 Genomes Project 0.00020; 1000 Genomes Project 30x 0.00031; ESP Exome Variant Server 0.00032; gnomAD 0.00045; TOPMed 0.00053.
gnomAD v4.1: 145 of 1,607,216 alleles (0.009%); highest among the groups gnomAD compares: African/African-American, 0.17%; no homozygotes.

Submissions (3):

Ambry Genetics
Classification: Uncertain significance for Inborn genetic diseases. Last evaluated: 2025-08-11. Review status: criteria provided, single submitter. Criteria: Ambry Variant Classification Scheme 2023. Collection method: clinical testing. Allele origin: germline.

PreventionGenetics, part of Exact Sciences
Classification: Likely benign for RP1L1-related condition. Last evaluated: 2024-11-04. Review status: criteria provided, single submitter. Criteria: ACMG Guidelines, 2015. Collection method: clinical testing. Allele origin: germline.
Comment: This variant is classified as likely benign based on ACMG/AMP sequence variant interpretation guidelines (Richards et al. 2015 PMID: 25741868, with internal and published modifications).

Blueprint Genetics
Classification: Likely benign. Last evaluated: 2024-07-24. Review status: criteria provided, single submitter. Criteria: ACMG Guidelines, 2015. Collection method: clinical testing. Allele origin: germline.